The following is an entry in ClinVar:

ClinVar aggregate classification (germline): Uncertain significance (1 of 4 stars; one submission).

Submission:

Centre for Mendelian Genomics, University Medical Centre Ljubljana
Classification: Uncertain significance. Last evaluated: 2019-11-14. Review status: criteria provided, single submitter. Criteria: ACMG Guidelines, 2015. Collection method: clinical testing. Allele origin: unknown. Affected: yes.
Comment: This variant was classified as: Uncertain significance. The available evidence on this variant's pathogenicity is insufficient or conflicting. The following ACMG criteria were applied in classifying this variant: PM2.

NM_015057.5(MYCBP2):c.5895+2T>G

Gene: MYCBP2 (MYC binding protein 2; minus strand). Cytogenetic location: 13q22.3.
Variant type: single nucleotide variant.
Coding change: c.5895+2T>G on transcript NM_015057.5 (MANE Select); the canonical splice donor site of the intron after coding-DNA position 5895, T replaced by G.
Molecular consequence: splice donor variant.
Genome position (GRCh38, 1-based): chr13:77,169,612, A>C on the plus strand (T>G on the coding strand, the complement: MYCBP2 is on the minus strand). VCF-style: chr13-77169612-A-C. GRCh37 (hg19) VCF-style: chr13-77743747-A-C.
Identifiers: ClinVar variation 930573 (VCV000930573.3), dbSNP rs2058939463, ClinGen allele CA388418536.